The following is an entry in ClinVar:

NM_001606.5(ABCA2):c.1188G>A (p.Pro396=)

Gene: ABCA2 (ATP binding cassette subfamily A member 2; minus strand). Cytogenetic location: 9q34.3.
Variant type: single nucleotide variant.
Coding change: c.1188G>A on transcript NM_001606.5 (MANE Select); coding-DNA position 1188, G replaced by A.
Protein change: p.Pro396=; no amino-acid change (proline 396 retained).
Molecular consequence: synonymous variant.
Genome position (GRCh38, 1-based): chr9:137,020,771, C>T on the plus strand (G>A on the coding strand, the complement: ABCA2 is on the minus strand). VCF-style: chr9-137020771-C-T. GRCh37 (hg19) VCF-style: chr9-139915223-C-T.
Other names: c.1185G>A, p.Pro395= (NM_001411042.1); c.1278G>A, p.Pro426= (NM_212533.3).
Identifiers: ClinVar variation 2659788 (VCV002659788.25), dbSNP rs756888001, ClinGen allele CA5355569.

ClinVar aggregate classification (germline): Likely benign. Review status: criteria provided, multiple submitters, no conflicts (2 of 4 stars). 2 submissions from 2 submitters: Likely benign (2). Last evaluated 2023-10-01.

gnomAD v4.1: 44 of 1,596,044 alleles (0.0028%); highest among the groups gnomAD compares: Admixed American, 0.015%; no homozygotes.

Submissions (2):

CeGaT Center for Human Genetics Tuebingen
Classification: Likely benign. Last evaluated: 2023-10-01. Review status: criteria provided, single submitter. Criteria: CeGaT Center For Human Genetics Tuebingen Variant Classification Criteria Version 2. Collection method: clinical testing. Allele origin: germline. Affected: yes. Observed: 1 variant allele.
Comment: ABCA2: BP4, BP7

Blueprint Genetics
Classification: Likely benign. Last evaluated: 2020-02-27. Review status: criteria provided, single submitter. Criteria: ACMG Guidelines, 2015. Collection method: clinical testing. Allele origin: germline.